The following is an entry in ClinVar:

NM_006231.4(POLE):c.5668A>G (p.Ile1890Val)

Gene: POLE (DNA polymerase epsilon, catalytic subunit; minus strand). Cytogenetic location: 12q24.33.
Variant type: single nucleotide variant.
Coding change: c.5668A>G on transcript NM_006231.4 (MANE Select); coding-DNA position 5668, A replaced by G.
Protein change: p.Ile1890Val; replaces isoleucine 1890 with valine.
Molecular consequence: missense variant.
Genome position (GRCh38, 1-based): chr12:132,638,024, T>C on the plus strand (A>G on the coding strand, the complement: POLE is on the minus strand). VCF-style: chr12-132638024-T-C. GRCh37 (hg19) VCF-style: chr12-133214610-T-C.
Other names: c.5668A>G (NM_006231.2); short protein forms I1890V.
Identifiers: ClinVar variation 473754 (VCV000473754.13), dbSNP rs745804149, ClinGen allele CA6892445.

ClinVar aggregate classification (germline): Uncertain significance. Review status: criteria provided, multiple submitters, no conflicts (2 of 4 stars). 4 submissions from 4 submitters: Uncertain significance (4). Last evaluated 2025-06-09.

Conditions:
Hereditary cancer-predisposing syndrome. Also called: Neoplastic Syndromes, Hereditary; Tumor predisposition; Hereditary Cancer Syndrome; Hereditary neoplastic syndrome. Identifiers: Orphanet 140162, MedGen C0027672, MeSH D009386, MONDO:0015356.

Allele frequency attached by ClinVar (database versions not stated): gnomAD exomes below 0.00001 and 0.00001; TOPMed below 0.00001; ExAC 0.00001.
gnomAD v4.1: 15 of 1,613,954 alleles (0.00093%); highest among the groups gnomAD compares: Non-Finnish European, 0.0013%; no homozygotes.

Submissions (4):

Labcorp Genetics (formerly Invitae), Labcorp
Classification: Uncertain significance. Last evaluated: 2025-06-09. Review status: criteria provided, single submitter. Criteria: Invitae Variant Classification Sherloc (09022015). Collection method: clinical testing. Allele origin: germline.
Comment: This sequence change replaces isoleucine, which is neutral and non-polar, with valine, which is neutral and non-polar, at codon 1890 of the POLE protein (p.Ile1890Val). This variant is present in population databases (rs745804149, gnomAD 0.0009%). This variant has not been reported in the literature in individuals affected with POLE-related conditions. ClinVar contains an entry for this variant (Variation ID: 473754). Invitae Evidence Modeling of protein sequence and biophysical properties (such as structural, functional, and spatial information, amino acid conservation, physicochemical variation, residue mobility, and thermodynamic stability) indicates that this missense variant is not expected to disrupt POLE protein function with a negative predictive value of 80%. RNA analysis performed to evaluate the impact of this missense change on mRNA splicing indicates it does not significantly alter splicing (Invtiae). In summary, the available evidence is currently insufficient to determine the role of this variant in disease. Therefore, it has been classified as a Variant of Uncertain Significance.

Ambry Genetics
Classification: Uncertain significance for Hereditary cancer-predisposing syndrome. Last evaluated: 2025-03-24. Review status: criteria provided, single submitter. Criteria: Ambry Variant Classification Scheme 2023. Collection method: clinical testing. Allele origin: germline.
Comment: The p.I1890V variant (also known as c.5668A>G), located in coding exon 41 of the POLE gene, results from an A to G substitution at nucleotide position 5668. The isoleucine at codon 1890 is replaced by valine, an amino acid with highly similar properties. This amino acid position is well conserved in available vertebrate species. In addition, this alteration is predicted to be tolerated by in silico analysis. Based on the available evidence, the clinical significance of this variant remains unclear.

GeneDx
Classification: Uncertain significance. Last evaluated: 2024-06-30. Review status: criteria provided, single submitter. Criteria: GeneDx Variant Classification Process June 2021. Collection method: clinical testing. Allele origin: germline. Affected: yes.
Comment: Not observed at significant frequency in large population cohorts (gnomAD); In silico analysis supports a deleterious effect on splicing; In silico analysis indicates that this missense variant does not alter protein structure/function; Has not been previously published as pathogenic or benign to our knowledge

PreventionGenetics, part of Exact Sciences
Classification: Uncertain significance. Last evaluated: 2017-10-26. Review status: criteria provided, single submitter. Criteria: ACMG Guidelines, 2015. Collection method: clinical testing. Allele origin: germline.